The following is an entry in ClinVar:

NM_014319.5(LEMD3):c.640G>T (p.Asp214Tyr)

Gene: LEMD3 (LEM domain containing 3; plus strand). Cytogenetic location: 12q14.3.
Variant type: single nucleotide variant.
Coding change: c.640G>T on transcript NM_014319.5 (MANE Select); coding-DNA position 640, G replaced by T.
Protein change: p.Asp214Tyr; replaces aspartic acid 214 with tyrosine.
Molecular consequence: missense variant.
Genome position (GRCh38, 1-based): chr12:65,170,236, G>T. VCF-style: chr12-65170236-G-T. GRCh37 (hg19) VCF-style: chr12-65564016-G-T.
Other names: c.640G>T, p.Asp214Tyr (NM_001167614.2); short protein forms D214Y.
Identifiers: ClinVar variation 310225 (VCV000310225.10), dbSNP rs774803333, ClinGen allele CA6670736.

ClinVar aggregate classification (germline): Uncertain significance. Review status: criteria provided, multiple submitters, no conflicts (2 of 4 stars). 2 submissions from 2 submitters: Uncertain significance (2). Last evaluated 2023-11-07.

Conditions:
Dermatofibrosis lenticularis disseminata (BOS). Also called: DERMATOFIBROSIS LENTICULARIS DISSEMINATA WITH OSTEOPOIKILOSIS; DERMATOOSTEOPOIKILOSIS; OSTEOPATHIA CONDENSANS DISSEMINATA. Identifiers: Orphanet 1306, MedGen C0265514, MONDO:0008157, OMIM 166700.

Allele frequency attached by ClinVar (database versions not stated): gnomAD 0.00001; TOPMed 0.00001; ExAC 0.00010.
gnomAD v4.1: 3 of 1,529,994 alleles (0.0002%); highest among the groups gnomAD compares: Non-Finnish European, 0.00026%; no homozygotes.

Submissions (2):

Labcorp Genetics (formerly Invitae), Labcorp
Classification: Uncertain significance. Last evaluated: 2023-11-07. Review status: criteria provided, single submitter. Criteria: Invitae Variant Classification Sherloc (09022015). Collection method: clinical testing. Allele origin: germline.
Comment: This sequence change replaces aspartic acid, which is acidic and polar, with tyrosine, which is neutral and polar, at codon 214 of the LEMD3 protein (p.Asp214Tyr). The frequency data for this variant in the population databases is considered unreliable, as metrics indicate poor data quality at this position in the gnomAD database. This variant has not been reported in the literature in individuals affected with LEMD3-related conditions. ClinVar contains an entry for this variant (Variation ID: 310225). An algorithm developed to predict the effect of missense changes on protein structure and function (PolyPhen-2) suggests that this variant is likely to be disruptive. In summary, the available evidence is currently insufficient to determine the role of this variant in disease. Therefore, it has been classified as a Variant of Uncertain Significance.

Illumina Laboratory Services, Illumina
Classification: Uncertain significance for Dermatofibrosis lenticularis disseminata. Last evaluated: 2018-01-13. Review status: criteria provided, single submitter. Criteria: ICSL Variant Classification Criteria 13 December 2019. Collection method: clinical testing. Allele origin: germline.